The following is an entry in ClinVar:

NM_019841.7(TRPV5):c.1407T>A (p.Thr469=)

Gene: TRPV5 (transient receptor potential cation channel subfamily V member 5; minus strand). Cytogenetic location: 7q34.
Variant type: single nucleotide variant.
Coding change: c.1407T>A on transcript NM_019841.7 (MANE Select); coding-DNA position 1407, T replaced by A.
Protein change: p.Thr469=; no amino-acid change (threonine 469 retained).
Molecular consequence: synonymous variant.
Genome position (GRCh38, 1-based): chr7:142,914,926, A>T on the plus strand (T>A on the coding strand, the complement: TRPV5 is on the minus strand). VCF-style: chr7-142914926-A-T. GRCh37 (hg19) VCF-style: chr7-142612096-A-T.
Identifiers: ClinVar variation 5040541 (VCV005040541.1).

ClinVar aggregate classification (germline): Likely benign (1 of 4 stars; one submission).

Submission:

CeGaT Center for Human Genetics Tuebingen
Classification: Likely benign. Last evaluated: 2026-08-01. Review status: criteria provided, single submitter. Criteria: CeGaT Center For Human Genetics Tuebingen Variant Classification Criteria Version 2. Collection method: clinical testing. Allele origin: germline. Affected: yes. Observed: 1 variant allele.
Comment: TRPV5: PM2:Supporting, BP4, BP7